The following is an entry in ClinVar:

NM_000038.6(APC):c.1525_1527delinsGAGATGTAGCCTTTGAGATGTTGGC (p.Thr509delinsGluMetTer)

Gene: APC (APC regulator of Wnt signaling pathway; plus strand). Cytogenetic location: 5q22.2.
Variant type: Indel.
Coding change: c.1525_1527delinsGAGATGTAGCCTTTGAGATGTTGGC on transcript NM_000038.6 (MANE Select); coding-DNA positions 1525 to 1527, ACT replaced by GAGATGTAGCCTTTGAGATGTTGGC.
Protein change: p.Thr509delinsGluMetTer.
Molecular consequence: nonsense.
Genome position (GRCh38, 1-based): chr5:112,827,224-112,827,226, ACT replaced by GAGATGTAGCCTTTGAGATGTTGGC. VCF-style: chr5-112827224-ACT-GAGATGTAGCCTTTGAGATGTTGGC. GRCh37 (hg19) VCF-style: chr5-112162921-ACT-GAGATGTAGCCTTTGAGATGTTGGC.
Other names: c.1525_1527delinsGAGATGTAGCCTTTGAGATGTTGGC, p.Thr509delinsGluMetTer (NM_001127510.3, NM_001354895.2); c.1471_1473delinsGAGATGTAGCCTTTGAGATGTTGGC, p.Thr491delinsGluMetTer (NM_001127511.3); c.1579_1581delinsGAGATGTAGCCTTTGAGATGTTGGC, p.Thr527delinsGluMetTer (NM_001354896.2); c.1555_1557delinsGAGATGTAGCCTTTGAGATGTTGGC, p.Thr519delinsGluMetTer (NM_001354897.2); c.1450_1452delinsGAGATGTAGCCTTTGAGATGTTGGC, p.Thr484delinsGluMetTer (NM_001354898.2); c.1441_1443delinsGAGATGTAGCCTTTGAGATGTTGGC, p.Thr481delinsGluMetTer (NM_001354899.2); c.1402_1404delinsGAGATGTAGCCTTTGAGATGTTGGC, p.Thr468delinsGluMetTer (NM_001354900.2); c.1348_1350delinsGAGATGTAGCCTTTGAGATGTTGGC, p.Thr450delinsGluMetTer (NM_001354901.2); and 5 more.
Identifiers: ClinVar variation 819453 (VCV000819453.4), dbSNP rs1580565841, ClinGen allele CA915942601.

ClinVar aggregate classification (germline): Pathogenic (1 of 4 stars; one submission).

Conditions:
Hereditary cancer-predisposing syndrome. Also called: Tumor predisposition; Hereditary neoplastic syndrome; Neoplastic Syndromes, Hereditary; Hereditary Cancer Syndrome. Identifiers: Orphanet 140162, MedGen C0027672, MeSH D009386, MONDO:0015356.

Submission:

Ambry Genetics
Classification: Pathogenic for Hereditary cancer-predisposing syndrome. Last evaluated: 2019-08-07. Review status: criteria provided, single submitter. Criteria: Ambry Variant Classification Scheme 2023. Collection method: clinical testing. Allele origin: germline.
Comment: The c.1525_1527delACTins25 variant, located in coding exon 11 of the APC gene, results from the deletion of 3 nucleotides and insertion of 25 nucleotides causing a translational frameshift with a predicted alternate stop codon (p.T509Efs*3). This alteration is expected to result in loss of function by premature protein truncation or nonsense-mediated mRNA decay. As such, this alteration is interpreted as a disease-causing mutation.